The following is an entry in ClinVar:

NM_005228.5(EGFR):c.1299-7A>G

Gene: EGFR (epidermal growth factor receptor; plus strand). Cytogenetic location: 7p11.2.
Variant type: single nucleotide variant.
Coding change: c.1299-7A>G on transcript NM_005228.5 (MANE Select); 7 bases into the intron before coding-DNA position 1299, A replaced by G.
Molecular consequence: intron variant.
Genome position (GRCh38, 1-based): chr7:55,160,132, A>G. VCF-style: chr7-55160132-A-G. GRCh37 (hg19) VCF-style: chr7-55227825-A-G.
Other names: c.1164-7A>G (NM_001346899.2, NM_001346897.2); c.498-7A>G (NM_001346941.2); c.1299-7A>G (NM_001346898.2, NM_201284.2, NM_201282.2 and 1 more transcripts); c.1140-7A>G (NM_001346900.2).
Identifiers: ClinVar variation 360458 (VCV000360458.22), dbSNP rs75911944, ClinGen allele CA4265557.
Genomic context (GRCh38, chr7:55,160,132, plus strand): 5'-CAAAGTTTTCAGGGATACATTGTTTTTATAATTTTTCACCACATGATTTTTCTTCTCTCC[A>G]ATGTAGTGGTCAGTTTTCTCTTGCAGTCGTCAGCCTGAACATAACATCCTTGGGATTACG-3'

ClinVar aggregate classification (germline): Benign/Likely benign. Review status: criteria provided, multiple submitters, no conflicts (2 of 4 stars). 5 submissions from 5 submitters: Benign (3); Likely benign (2). Last evaluated 2026-02-03.

Conditions:
Lung cancer. Also called: Malignant tumor of lung; Lung cancer, somatic. Identifiers: MedGen C0242379, MONDO:0008903, OMIM 211980.
EGFR-related lung cancer (EGFR). Identifiers: MedGen CN130014.

Allele frequency attached by ClinVar (database versions not stated): gnomAD exomes 0.00167 and 0.00064; ExAC 0.00201; ESP Exome Variant Server 0.00615; 1000 Genomes Project 0.00619; gnomAD 0.00642 and 0.00690; TOPMed 0.00692; 1000 Genomes Project 30x 0.00734.
gnomAD v4.1: 1,953 of 1,614,010 alleles (0.12%); highest among the groups gnomAD compares: African/African-American, 2.1%; 19 homozygotes.

Submissions (5):

Labcorp Genetics (formerly Invitae), Labcorp
Classification: Benign for EGFR-related lung cancer. Last evaluated: 2026-02-03. Review status: criteria provided, single submitter. Criteria: Invitae Variant Classification Sherloc (09022015). Collection method: clinical testing. Allele origin: germline.

CeGaT Center for Human Genetics Tuebingen
Classification: Benign. Last evaluated: 2025-08-01. Review status: criteria provided, single submitter. Criteria: CeGaT Center For Human Genetics Tuebingen Variant Classification Criteria Version 2. Collection method: clinical testing. Allele origin: germline. Affected: yes. Observed: 1 variant allele.
Comment: EGFR: BP4, BS1, BS2

Blueprint Genetics
Classification: Likely benign. Last evaluated: 2024-11-27. Review status: criteria provided, single submitter. Criteria: ACMG Guidelines, 2015. Collection method: clinical testing. Allele origin: germline.

KCCC/NGS Laboratory, Kuwait Cancer Control Center
Classification: Likely benign for Lung cancer. Last evaluated: 2023-07-07. Review status: criteria provided, single submitter. Criteria: ACMG Guidelines, 2015. Collection method: clinical testing. Allele origin: germline. Affected: yes.

Breakthrough Genomics
Classification: Benign. Review status: criteria provided, single submitter. Criteria: ACMG Guidelines, 2015. Collection method: not provided. Allele origin: germline. Inheritance: Autosomal recessive inheritance. Affected: yes.